The following is an entry in ClinVar:

NM_000069.3(CACNA1S):c.4677G>A (p.Leu1559=)

Gene: CACNA1S (calcium voltage-gated channel subunit alpha1 S; minus strand). Cytogenetic location: 1q32.1.
Variant type: single nucleotide variant.
Coding change: c.4677G>A on transcript NM_000069.3 (MANE Select); coding-DNA position 4677, G replaced by A.
Protein change: p.Leu1559=; no amino-acid change (leucine 1559 retained).
Molecular consequence: synonymous variant.
Genome position (GRCh38, 1-based): chr1:201,044,448, C>T on the plus strand (G>A on the coding strand, the complement: CACNA1S is on the minus strand). VCF-style: chr1-201044448-C-T. GRCh37 (hg19) VCF-style: chr1-201013576-C-T.
Identifiers: ClinVar variation 2672377 (VCV002672377.23), dbSNP rs2464416356, ClinGen allele CA422716598.

ClinVar aggregate classification (germline): Likely benign (1 of 4 stars; one submission).

Submission:

CeGaT Center for Human Genetics Tuebingen
Classification: Likely benign. Last evaluated: 2023-11-01. Review status: criteria provided, single submitter. Criteria: CeGaT Center For Human Genetics Tuebingen Variant Classification Criteria Version 2. Collection method: clinical testing. Allele origin: germline. Affected: yes. Observed: 1 variant allele.
Comment: CACNA1S: PM2:Supporting, BP4, BP7